The following is an entry in ClinVar:

ClinVar aggregate classification (germline): Likely benign. Review status: criteria provided, single submitter (1 of 4 stars). 2 submissions from 2 submitters: Likely benign (1). 1 of the submissions does not count toward it. Last evaluated 2022-08-22.

Conditions:
Early Myoclonic Encephalopathy. Identifiers: MedGen C0270855.
JMJD1C-related disorder. Also called: JMJD1C-related condition.

Allele frequency attached by ClinVar (database versions not stated): gnomAD exomes 0.00002; TOPMed below 0.00001; gnomAD 0.00001.
gnomAD v4.1: 34 of 1,540,568 alleles (0.0022%); highest among the groups gnomAD compares: South Asian, 0.0074%; no homozygotes.

Submissions (2):

Labcorp Genetics (formerly Invitae), Labcorp
Classification: Likely benign for Early Myoclonic Encephalopathy. Last evaluated: 2022-08-22. Review status: criteria provided, single submitter. Criteria: Invitae Variant Classification Sherloc (09022015). Collection method: clinical testing. Allele origin: germline.

PreventionGenetics, part of Exact Sciences
Classification: Likely benign for JMJD1C-related condition. Last evaluated: 2019-03-20. Review status: no assertion criteria provided. Collection method: clinical testing. Allele origin: germline. Not counted in ClinVar's aggregate classification.
Comment: This variant is classified as likely benign based on ACMG/AMP sequence variant interpretation guidelines (Richards et al. 2015 PMID: 25741868, with internal and published modifications).

NM_032776.3(JMJD1C):c.1020T>C (p.Asn340=)

Gene: JMJD1C (jumonji domain containing 1C; minus strand). Cytogenetic location: 10q21.3.
Variant type: single nucleotide variant.
Coding change: c.1020T>C on transcript NM_032776.3 (MANE Select); coding-DNA position 1020, T replaced by C.
Protein change: p.Asn340=; no amino-acid change (asparagine 340 retained).
Molecular consequence: synonymous variant. On other transcripts: non-coding transcript variant (1).
Genome position (GRCh38, 1-based): chr10:63,215,147, A>G on the plus strand (T>C on the coding strand, the complement: JMJD1C is on the minus strand). VCF-style: chr10-63215147-A-G. GRCh37 (hg19) VCF-style: chr10-64974907-A-G.
Other names: c.474T>C, p.Asn158= (NM_001282948.2, NM_001318154.2); c.156T>C, p.Asn52= (NM_001318153.2); c.906T>C, p.Asn302= (NM_001322252.2); c.363T>C, p.Asn121= (NM_001322254.2, NM_001322258.2); c.1020T>C (NM_032776.2).
Identifiers: ClinVar variation 2153814 (VCV002153814.6), dbSNP rs969730431, ClinGen allele CA208377521.